The following is an entry in ClinVar:

ClinVar aggregate classification (germline): Pathogenic. Review status: criteria provided, multiple submitters, no conflicts (2 of 4 stars). 2 submissions from 2 submitters: Pathogenic (2). Last evaluated 2023-08-14.

Conditions:
Hereditary cancer-predisposing syndrome. Also called: Hereditary Cancer Syndrome; Hereditary neoplastic syndrome; Neoplastic Syndromes, Hereditary; Tumor predisposition. Identifiers: Orphanet 140162, MedGen C0027672, MeSH D009386, MONDO:0015356.
Lynch syndrome 5 (LYNCH5). Also called: Hereditary non-polyposis colorectal cancer, type 5; Colorectal cancer, hereditary nonpolyposis, type 5. Identifiers: Orphanet 144, MedGen C1833477, MONDO:0013710, OMIM 614350. Disease mechanism: loss of function.

Submissions (2):

Myriad Genetics, Inc.
Classification: Pathogenic for Lynch syndrome 5. Last evaluated: 2023-08-14. Review status: criteria provided, single submitter. Criteria: Myriad Autosomal Dominant, Autosomal Recessive and X-Linked Classification Criteria (2023). Collection method: clinical testing. Allele origin: unknown.
Comment: This variant is considered pathogenic. This variant creates a termination codon and is predicted to result in premature protein truncation.

Ambry Genetics
Classification: Pathogenic for Hereditary cancer-predisposing syndrome. Last evaluated: 2015-11-25. Review status: criteria provided, single submitter. Criteria: Ambry Variant Classification Scheme 2023. Collection method: clinical testing. Allele origin: germline.
Comment: The p.Y469* pathogenic mutation (also known as c.1406dupA), located in coding exon 4 of the MSH6 gene, results from a duplication of A at nucleotide position 1406. This changes the amino acid from a tyrosine to a stop codon in coding exon 4. Since premature stop codons are typically deleterious in nature, this alteration is interpreted as a disease-causing mutation (ACMG Recommendations for Standards for Interpretation and Reporting of Sequence Variations. Revision 2007. Genet Med. 2008;10:294).

NM_000179.3(MSH6):c.1406dup (p.Tyr469Ter)

Gene: MSH6 (mutS homolog 6; plus strand). Cytogenetic location: 2p16.3.
Variant type: Duplication.
Coding change: c.1406dup on transcript NM_000179.3 (MANE Select); coding-DNA position 1406, one base duplicated (A; older notation c.1406dupA).
Protein change: p.Tyr469Ter; replaces tyrosine 469 with a stop codon.
Molecular consequence: nonsense. On other transcripts: frameshift variant (36).
Genome position (GRCh38, 1-based): chr2:47,799,389, A duplicated. VCF-style (leftmost placement, unchanged base first): chr2-47799388-T-TA. GRCh37 (hg19) VCF-style: chr2-48026527-T-TA.
Other names: c.1016dup, p.Tyr339Ter (NM_001281492.2); c.500dup, p.Tyr167Ter (NM_001281493.2, NM_001281494.2); c.1502dup, p.Tyr501Terfs (NM_001406795.1, NM_001406802.1); c.1406dup, p.Tyr469Terfs (NM_001406796.1, NM_001406798.1, NM_001406800.1 and 4 more transcripts); c.1109dup, p.Tyr370Terfs (NM_001406797.1, NM_001406801.1, NM_001406805.1 and 10 more transcripts); c.881dup, p.Tyr294Terfs (NM_001406799.1, NM_001406806.1, NM_001406807.1); c.1328dup, p.Tyr443Terfs (NM_001406804.1); c.500dup, p.Tyr167Terfs (NM_001406811.1, NM_001406812.1, NM_001406814.1 and 4 more transcripts); and 3 more; short protein forms Y167*, Y339*, Y469*.
Identifiers: ClinVar variation 1771906 (VCV001771906.3), dbSNP rs2530607734, ClinGen allele CA2580067585.